The following is an entry in ClinVar:

NM_130837.3(OPA1):c.2439T>C (p.Asp813=)

Gene: OPA1 (OPA1 mitochondrial dynamin like GTPase; plus strand). Cytogenetic location: 3q29.
Variant type: single nucleotide variant.
Coding change: c.2439T>C on transcript NM_130837.3 (MANE Select); coding-DNA position 2439, T replaced by C.
Protein change: p.Asp813=; no amino-acid change (aspartic acid 813 retained).
Molecular consequence: synonymous variant.
Genome position (GRCh38, 1-based): chr3:193,658,994, T>C. VCF-style: chr3-193658994-T-C. GRCh37 (hg19) VCF-style: chr3-193376783-T-C.
Other names: c.1905T>C, p.Asp635= (NM_001354663.2); c.1902T>C, p.Asp634= (NM_001354664.2); c.2274T>C, p.Asp758= (NM_015560.3); c.2166T>C, p.Asp722= (NM_130831.3); c.2220T>C, p.Asp740= (NM_130832.3); c.2277T>C, p.Asp759= (NM_130833.3); c.2328T>C, p.Asp776= (NM_130834.3); c.2331T>C, p.Asp777= (NM_130835.3); and 1 more.
Identifiers: ClinVar variation 4750771 (VCV004750771.1).
Genomic context (GRCh38, chr3:193,658,994, plus strand): 5'-ACAGCAATGGGATGCAGCTATTTATTTTATGGAAGAGGCTCTGCAGGCTCGTCTCAAGGA[T>C]AGTAAGTGGAGACACGGCTTATTGAGTTCTGAGTTCACAGTGGTGAAGGAGTCATCCAAC-3'
Protein context (NP_570850.2, residues 803-823): MEEALQARLK[Asp813=]TENAIENMVG

ClinVar aggregate classification (germline): Uncertain significance (1 of 4 stars; one submission).

Submission:

Labcorp Genetics (formerly Invitae), Labcorp
Classification: Uncertain significance. Last evaluated: 2025-10-09. Review status: criteria provided, single submitter. Criteria: Invitae Variant Classification Sherloc (09022015). Collection method: clinical testing. Allele origin: germline.
Comment: This sequence change affects codon 758 of the OPA1 mRNA. It is a 'silent' change, meaning that it does not change the encoded amino acid sequence of the OPA1 protein. It affects a nucleotide within the consensus splice site. This variant is not present in population databases (gnomAD no frequency). This variant has not been reported in the literature in individuals affected with OPA1-related conditions. Algorithms developed to predict the effect of sequence changes on RNA splicing suggest that this variant is not likely to affect RNA splicing. In summary, the available evidence is currently insufficient to determine the role of this variant in disease. Therefore, it has been classified as a Variant of Uncertain Significance.